The following is an entry in ClinVar:

ClinVar aggregate classification (germline): Conflicting classifications of pathogenicity. Review status: criteria provided, conflicting classifications (1 of 4 stars). 2 submissions from 2 submitters: Uncertain significance (1); Benign (1). Last evaluated 2026-03-27.

gnomAD v4.1: 1 of 1,614,070 alleles (0.000062%); highest among the groups gnomAD compares: Non-Finnish European, 0.000085%; no homozygotes.

Submissions (2):

GeneDx
Classification: Uncertain significance. Last evaluated: 2026-03-27. Review status: criteria provided, single submitter. Criteria: GeneDx Variant Classification Process June 2021. Collection method: clinical testing. Allele origin: germline.
Comment: Not observed at significant frequency in large population cohorts (gnomAD); In silico analysis suggests that this missense variant does not alter protein structure/function; Has not been previously published as pathogenic or benign to our knowledge

Labcorp Genetics (formerly Invitae), Labcorp
Classification: Benign. Last evaluated: 2022-07-19. Review status: criteria provided, single submitter. Criteria: Invitae Variant Classification Sherloc (09022015). Collection method: clinical testing. Allele origin: germline.

NM_005157.6(ABL1):c.659G>A (p.Arg220His)

Gene: ABL1 (ABL proto-oncogene 1, non-receptor tyrosine kinase; plus strand). Cytogenetic location: 9q34.12.
Variant type: single nucleotide variant.
Coding change: c.659G>A on transcript NM_005157.6 (MANE Select); coding-DNA position 659, G replaced by A.
Protein change: p.Arg220His; replaces arginine 220 with histidine.
Molecular consequence: missense variant.
Genome position (GRCh38, 1-based): chr9:130,862,872, G>A. VCF-style: chr9-130862872-G-A. GRCh37 (hg19) VCF-style: chr9-133738259-G-A.
Other names: c.716G>A, p.Arg239His (NM_007313.3); c.716G>A (NM_007313.2); short protein forms R239H, R220H.
Identifiers: ClinVar variation 2083808 (VCV002083808.5), dbSNP rs56271006, ClinGen allele CA375262671.